The following is an entry in ClinVar:

NM_003072.5(SMARCA4):c.2276T>C (p.Ile759Thr)

Gene: SMARCA4 (SWI/SNF related BAF chromatin remodeling complex subunit ATPase 4; plus strand). Cytogenetic location: 19p13.2.
Variant type: single nucleotide variant.
Coding change: c.2276T>C on transcript NM_003072.5 (MANE Select); coding-DNA position 2276, T replaced by C.
Protein change: p.Ile759Thr; replaces isoleucine 759 with threonine.
Molecular consequence: missense variant. On other transcripts: non-coding transcript variant (1).
Genome position (GRCh38, 1-based): chr19:11,012,950, T>C. VCF-style: chr19-11012950-T-C. GRCh37 (hg19) VCF-style: chr19-11123626-T-C.
Other names: c.2276T>C, p.Ile759Thr (NM_001128844.3, NM_001128845.2, NM_001128846.2 and 5 more transcripts); short protein forms I759T.
Identifiers: ClinVar variation 238399 (VCV000238399.9), dbSNP rs878854206, ClinGen allele CA10583738.

ClinVar aggregate classification (germline): Uncertain significance. Review status: criteria provided, multiple submitters, no conflicts (2 of 4 stars). 2 submissions from 2 submitters: Uncertain significance (2). Last evaluated 2026-07-06.

Conditions:
Hereditary cancer-predisposing syndrome. Also called: Tumor predisposition; Neoplastic Syndromes, Hereditary; Hereditary Cancer Syndrome; Hereditary neoplastic syndrome. Identifiers: Orphanet 140162, MedGen C0027672, MeSH D009386, MONDO:0015356.
Rhabdoid tumor predisposition syndrome 2 (RTPS2). Identifiers: Orphanet 231108, Orphanet 69077, MedGen C2750074, MONDO:0013224, OMIM 613325.

Submissions (2):

Ambry Genetics
Classification: Uncertain significance for Hereditary cancer-predisposing syndrome. Last evaluated: 2026-07-06. Review status: criteria provided, single submitter. Criteria: Ambry Variant Classification Scheme 2023. Collection method: clinical testing. Allele origin: germline.
Comment: The p.I759T variant (also known as c.2276T>C), located in coding exon 15 of the SMARCA4 gene, results from a T to C substitution at nucleotide position 2276. The isoleucine at codon 759 is replaced by threonine, an amino acid with similar properties. This amino acid position is conserved. In addition, this alteration is predicted to be deleterious by in silico analysis. Based on the available evidence, the clinical significance of this variant remains unclear.

Labcorp Genetics (formerly Invitae), Labcorp
Classification: Uncertain significance for Rhabdoid tumor predisposition syndrome 2. Last evaluated: 2024-04-22. Review status: criteria provided, single submitter. Criteria: Invitae Variant Classification Sherloc (09022015). Collection method: clinical testing. Allele origin: germline.
Comment: This sequence change replaces isoleucine, which is neutral and non-polar, with threonine, which is neutral and polar, at codon 759 of the SMARCA4 protein (p.Ile759Thr). This variant is not present in population databases (gnomAD no frequency). This variant has not been reported in the literature in individuals affected with SMARCA4-related conditions. ClinVar contains an entry for this variant (Variation ID: 238399). An algorithm developed to predict the effect of missense changes on protein structure and function (PolyPhen-2) suggests that this variant is likely to be tolerated. In summary, the available evidence is currently insufficient to determine the role of this variant in disease. Therefore, it has been classified as a Variant of Uncertain Significance.